The following is an entry in ClinVar:

ClinVar aggregate classification (germline): Uncertain significance (1 of 4 stars; one submission).

Submission:

Labcorp Genetics (formerly Invitae), Labcorp
Classification: Uncertain significance. Last evaluated: 2021-12-27. Review status: criteria provided, single submitter. Criteria: Invitae Variant Classification Sherloc (09022015). Collection method: clinical testing. Allele origin: germline.
Comment: This variant has not been reported in the literature in individuals affected with COL18A1-related conditions. Experimental studies and prediction algorithms are not available or were not evaluated, and the functional significance of this variant is currently unknown. In summary, the available evidence is currently insufficient to determine the role of this variant in disease. Therefore, it has been classified as a Variant of Uncertain Significance. This variant, c.2810_2818del, results in the deletion of 3 amino acid(s) of the COL18A1 protein (p.Leu937_Gly939del), but otherwise preserves the integrity of the reading frame. This variant is not present in population databases (gnomAD no frequency).

NM_001379500.1(COL18A1):c.2810_2818del (p.Leu937_Gly939del)

Genes: COL18A1 (collagen type XVIII alpha 1 chain; plus strand), SLC19A1 (solute carrier family 19 member 1; minus strand). Cytogenetic location: 21q22.3.
Variant type: Deletion.
Coding change: c.2810_2818del on transcript NM_001379500.1 (MANE Select); coding-DNA positions 2810 to 2818, 9 bases deleted (TGCCCGGCC; older notation c.2810_2818delTGCCCGGCC).
Protein change: p.Leu937_Gly939del.
Molecular consequence: inframe deletion.
Genome position (GRCh38, 1-based): chr21:45,504,498-45,504,506, TGCCCGGCC deleted; deleting any 9 consecutive bases within chr21:45,504,495-45,504,506 gives the same sequence; the c. name uses the placement nearest the transcript's 3' end. VCF-style (leftmost placement, unchanged base first): chr21-45504494-AGCCTGCCCG-A. GRCh37 (hg19) VCF-style: chr21-46924408-AGCCTGCCCG-A.
Other names: c.3350_3358del, p.Leu1117_Gly1119del (NM_030582.4); c.4055_4063del, p.Leu1352_Gly1354del (NM_130444.3).
Identifiers: ClinVar variation 2037420 (VCV002037420.4), dbSNP rs2517782939, ClinGen allele CA2577627021.